The following is an entry in ClinVar:

NM_000051.4(ATM):c.2376G>C (p.Lys792Asn)

Gene: ATM (ATM serine/threonine kinase; plus strand). Cytogenetic location: 11q22.3.
Variant type: single nucleotide variant.
Coding change: c.2376G>C on transcript NM_000051.4 (MANE Select); coding-DNA position 2376, G replaced by C.
Protein change: p.Lys792Asn; replaces lysine 792 with asparagine.
Molecular consequence: missense variant.
Genome position (GRCh38, 1-based): chr11:108,257,606, G>C. VCF-style: chr11-108257606-G-C. GRCh37 (hg19) VCF-style: chr11-108128333-G-C.
Other names: c.2376G>C, p.Lys792Asn (NM_001351834.2); short protein forms K792N.
Identifiers: ClinVar variation 5042473 (VCV005042473.1).

ClinVar aggregate classification (germline): Likely pathogenic (1 of 4 stars; one submission).

Conditions:
Familial cancer of breast. Also called: BREAST CANCER, FAMILIAL; Hereditary breast cancer; hereditary breast carcinoma. Identifiers: Orphanet 227535, MedGen C0346153, MONDO:0016419, OMIM 114480. Disease mechanism: loss of function.

gnomAD v4.1: 2 of 1,613,308 alleles (0.00012%); highest among the groups gnomAD compares: Admixed American, 0.0017%; no homozygotes.

Submission:

Myriad Genetics, Inc.
Classification: Likely pathogenic for Familial cancer of breast. Last evaluated: 2026-08-31. Review status: criteria provided, single submitter. Criteria: Myriad Autosomal Dominant, Autosomal Recessive and X-Linked Classification Criteria (2023). Collection method: clinical testing. Allele origin: unknown.
Comment: This variant is considered likely pathogenic. This variant has been reported in multiple individuals with clinical features of gene-specific disease [PMID: 9792409, 29489040, 34298181, 30525879]. mRNA analysis has demonstrated abnormal mRNA splicing occurs [Myriad internal data].

Literature cited by the submitters: PubMed 9792409; PubMed 29489040; PubMed 34298181; PubMed 30525879.